The following is an entry in ClinVar:

ClinVar aggregate classification (germline): Uncertain significance (0 of 4 stars; one submission).

Conditions:
TTC8-related disorder. Also called: TTC8-related condition.

gnomAD v4.1: 2 of 1,613,956 alleles (0.00012%); highest among the groups gnomAD compares: Non-Finnish European, 0.000085%; no homozygotes.

Submission:

PreventionGenetics, part of Exact Sciences
Classification: Uncertain significance for TTC8-related condition. Last evaluated: 2024-09-10. Review status: no assertion criteria provided. Collection method: clinical testing. Allele origin: germline.
Comment: The TTC8 c.488C>G variant is predicted to result in the amino acid substitution p.Thr163Arg. To our knowledge, this variant has not been reported in the literature. This variant is reported in 0.0% of alleles in individuals of African descent in gnomAD. At this time, the clinical significance of this variant is uncertain due to the absence of conclusive functional and genetic evidence.

NM_144596.4(TTC8):c.488C>G (p.Thr163Arg)

Gene: TTC8 (tetratricopeptide repeat domain 8; plus strand). Cytogenetic location: 14q31.3.
Variant type: single nucleotide variant.
Coding change: c.488C>G on transcript NM_144596.4 (MANE Select); coding-DNA position 488, C replaced by G.
Protein change: p.Thr163Arg; replaces threonine 163 with arginine.
Molecular consequence: missense variant. On other transcripts: 5 prime UTR variant (2), non-coding transcript variant (1).
Genome position (GRCh38, 1-based): chr14:88,841,195, C>G. VCF-style: chr14-88841195-C-G. GRCh37 (hg19) VCF-style: chr14-89307539-C-G.
Other names: c.458C>G, p.Thr153Arg (NM_001288781.1, NM_001366535.2, NM_001366536.2 and 2 more transcripts); c.-105C>G (NM_001288782.1); c.-200C>G (NM_001288783.1); short protein forms T153R, T163R.
Identifiers: ClinVar variation 3356836 (VCV003356836.1).